The following is an entry in ClinVar:

ClinVar aggregate classification (germline): Uncertain significance (1 of 4 stars; one submission).

Conditions:
CHARGE syndrome (CHARGE). Also called: Hittner Hirsch Kreh syndrome; Coloboma, heart anomaly, choanal atresia, retardation, genital and ear anomalies; CHARGE association; Hall-Hittner syndrome; CHARGE ASSOCIATION--COLOBOMA, HEART ANOMALY, CHOANAL ATRESIA, RETARDATION, GENITAL AND EAR ANOMALIES. Identifiers: Orphanet 138, MedGen C0265354, MONDO:0008965.

Allele frequency attached by ClinVar (database versions not stated): gnomAD exomes below 0.00001; ExAC 0.00001.
gnomAD v4.1: 7 of 1,607,746 alleles (0.00044%); highest among the groups gnomAD compares: Non-Finnish European, 0.00051%; no homozygotes.

Submission:

Labcorp Genetics (formerly Invitae), Labcorp
Classification: Uncertain significance for CHARGE syndrome. Last evaluated: 2025-07-31. Review status: criteria provided, single submitter. Criteria: Invitae Variant Classification Sherloc (09022015). Collection method: clinical testing. Allele origin: germline.
Comment: This sequence change replaces proline, which is neutral and non-polar, with serine, which is neutral and polar, at codon 2776 of the CHD7 protein (p.Pro2776Ser). This variant is present in population databases (rs773045619, gnomAD 0.001%). This variant has not been reported in the literature in individuals affected with CHD7-related conditions. ClinVar contains an entry for this variant (Variation ID: 529123). Invitae Evidence Modeling of protein sequence and biophysical properties (such as structural, functional, and spatial information, amino acid conservation, physicochemical variation, residue mobility, and thermodynamic stability) has been performed for this missense variant. However, the output from this modeling did not meet the statistical confidence thresholds required to predict the impact of this variant on CHD7 protein function. In summary, the available evidence is currently insufficient to determine the role of this variant in disease. Therefore, it has been classified as a Variant of Uncertain Significance.

NM_017780.4(CHD7):c.8326C>T (p.Pro2776Ser)

Gene: CHD7 (chromodomain helicase DNA binding protein 7; plus strand). Cytogenetic location: 8q12.2.
Variant type: single nucleotide variant.
Coding change: c.8326C>T on transcript NM_017780.4 (MANE Select); coding-DNA position 8326, C replaced by T.
Protein change: p.Pro2776Ser; replaces proline 2776 with serine.
Molecular consequence: missense variant.
Genome position (GRCh38, 1-based): chr8:60,865,265, C>T. VCF-style: chr8-60865265-C-T. GRCh37 (hg19) VCF-style: chr8-61777824-C-T.
Other names: c.2179C>T, p.Pro727Ser (NM_001316690.1); short protein forms P2776S, P727S.
Identifiers: ClinVar variation 529123 (VCV000529123.2), dbSNP rs773045619, ClinGen allele CA4760989.